The following is an entry in ClinVar:

NM_002834.5(PTPN11):c.179_182delinsT (p.Gly60_Asp61delinsVal)

Gene: PTPN11 (protein tyrosine phosphatase non-receptor type 11; plus strand). Cytogenetic location: 12q24.13.
Variant type: Indel.
Coding change: c.179_182delinsT on transcript NM_002834.5 (MANE Select); coding-DNA positions 179 to 182, GTGA replaced by T.
Protein change: p.Gly60_Asp61delinsVal.
Molecular consequence: inframe indel.
Genome position (GRCh38, 1-based): chr12:112,450,359-112,450,362, GTGA replaced by T. VCF-style: chr12-112450359-GTGA-T. GRCh37 (hg19) VCF-style: chr12-112888163-GTGA-T.
Other names: p.G60V; c.179_182delinsT, p.Gly60_Asp61delinsVal (NM_001330437.2, NM_080601.3); c.176_179delinsT, p.Gly59_Asp60delinsVal (NM_001374625.1).
Identifiers: ClinVar variation 40492 (VCV000040492.3), dbSNP rs397507508, ClinGen allele CA282067.
Genomic context (GRCh38, chr12:112,450,359, plus strand): 5'-TTCCAATGGACTATTTTAGAAGAAATGGAGCTGTCACCCACATCAAGATTCAGAACACTG[GTGA>T]TTACTATGACCTGTATGGAGGGGAGAAATTTGCCACTTTGGCTGAGTTGGTCCAGTATTA-3'

ClinVar aggregate classification (germline): Pathogenic (1 of 4 stars; one submission).

Conditions:
RASopathy. Also called: rasopathies; Noonan spectrum disorder. Identifiers: Orphanet 536391, MedGen C5555857, MONDO:0021060.

Submission:

GeneDx
Classification: Pathogenic for Rasopathy. Last evaluated: 2006-01-01. Review status: criteria provided, single submitter. Criteria: GeneDx Variant Classification (06012015). Collection method: clinical testing. Allele origin: unknown.
Comment: The c.179_182delGTGAinsT mutation has been reported previously in association with autosomal dominant Noonan syndrome (Tartaglia et al, 2006).
ClinVar note: Converted during submission from MUT to Pathogenic.